The following is an entry in ClinVar:

NM_001035.3(RYR2):c.7277T>G (p.Leu2426Arg)

Gene: RYR2 (ryanodine receptor 2; plus strand). Cytogenetic location: 1q43.
Variant type: single nucleotide variant.
Coding change: c.7277T>G on transcript NM_001035.3 (MANE Select); coding-DNA position 7277, T replaced by G.
Protein change: p.Leu2426Arg; replaces leucine 2426 with arginine.
Molecular consequence: missense variant.
Genome position (GRCh38, 1-based): chr1:237,643,382, T>G. VCF-style: chr1-237643382-T-G. GRCh37 (hg19) VCF-style: chr1-237806682-T-G.
Other names: short protein forms L2426R.
Identifiers: ClinVar variation 2865610 (VCV002865610.3), dbSNP rs28677142, ClinGen allele CA345396973.

ClinVar aggregate classification (germline): Pathogenic (1 of 4 stars; one submission).

Conditions:
Catecholaminergic polymorphic ventricular tachycardia 1. Also called: VENTRICULAR TACHYCARDIA, STRESS-INDUCED POLYMORPHIC 1; RYR2-Related Catecholaminergic Polymorphic Ventricular Tachycardia; VENTRICULAR TACHYCARDIA, CATECHOLAMINERGIC POLYMORPHIC, 1, WITH OR WITHOUT ATRIAL DYSFUNCTION AND/OR DILATED CARDIOMYOPATHY. Identifiers: Orphanet 3286, MedGen C1631597, MONDO:0011484, OMIM 604772.

Submission:

Labcorp Genetics (formerly Invitae), Labcorp
Classification: Pathogenic for Catecholaminergic polymorphic ventricular tachycardia 1. Last evaluated: 2024-04-03. Review status: criteria provided, single submitter. Criteria: Invitae Variant Classification Sherloc (09022015). Collection method: clinical testing. Allele origin: germline.
Comment: This sequence change replaces leucine, which is neutral and non-polar, with arginine, which is basic and polar, at codon 2426 of the RYR2 protein (p.Leu2426Arg). This variant is not present in population databases (gnomAD no frequency). This missense change has been observed in individual(s) with clinical features of catecholaminergic polymorphic ventricular tachycardia (Invitae). In at least one individual the variant was observed to be de novo. Advanced modeling of protein sequence and biophysical properties (such as structural, functional, and spatial information, amino acid conservation, physicochemical variation, residue mobility, and thermodynamic stability) performed at Invitae indicates that this missense variant is expected to disrupt RYR2 protein function with a positive predictive value of 95%. For these reasons, this variant has been classified as Pathogenic.